The following is an entry in ClinVar:

NM_002769.5(PRSS1):c.315C>G (p.Asn105Lys)

Genes: PRSS1 (serine protease 1; plus strand), TRB (T cell receptor beta locus; plus strand). Cytogenetic location: 7q34.
Variant type: single nucleotide variant.
Coding change: c.315C>G on transcript NM_002769.5 (MANE Select); coding-DNA position 315, C replaced by G.
Protein change: p.Asn105Lys; replaces asparagine 105 with lysine.
Molecular consequence: missense variant. On other transcripts: non-coding transcript variant (4).
Genome position (GRCh38, 1-based): chr7:142,751,888, C>G. VCF-style: chr7-142751888-C-G. GRCh37 (hg19) VCF-style: chr7-142459739-C-G.
Other names: short protein forms N105K.
Identifiers: ClinVar variation 3222800 (VCV003222800.1), dbSNP rs1264201914, ClinGen allele CA369608783.

ClinVar aggregate classification (germline): Uncertain significance (1 of 4 stars; one submission).

Conditions:
Hereditary pancreatitis (PCTT). Also called: Hereditary chronic pancreatitis; PRSS1-Related Hereditary Pancreatitis. Identifiers: Orphanet 676, MedGen C0238339, MONDO:0008185, OMIM 167800.

Submission:

Ambry Genetics
Classification: Uncertain significance for Hereditary pancreatitis. Last evaluated: 2023-12-08. Review status: criteria provided, single submitter. Criteria: Ambry Variant Classification Scheme 2023. Collection method: clinical testing. Allele origin: germline.
Comment: The p.N105K variant (also known as c.315C>G), located in coding exon 3 of the PRSS1 gene, results from a C to G substitution at nucleotide position 315. The asparagine at codon 105 is replaced by lysine, an amino acid with similar properties. This amino acid position is conserved. In addition, the in silico prediction for this alteration is inconclusive. Since supporting evidence is limited at this time, the clinical significance of this alteration remains unclear.